The following is an entry in ClinVar:

ClinVar aggregate classification (germline): Likely benign (1 of 4 stars; one submission).

Conditions:
Usher syndrome type 1G. Also called: USHER SYNDROME, TYPE IG, MILD. Identifiers: Orphanet 231169, Orphanet 886, MedGen C1847089, MONDO:0011748, OMIM 606943.

Allele frequency attached by ClinVar (database versions not stated): gnomAD exomes 0.00113; TOPMed 0.00359; gnomAD 0.00362 and 0.00377; 1000 Genomes Project 0.00639; 1000 Genomes Project 30x 0.00718.
gnomAD v4.1: 457 of 128,458 alleles (0.36%); highest among the groups gnomAD compares: African/African-American, 1.3%; 4 homozygotes.

Submission:

Illumina Laboratory Services, Illumina
Classification: Likely benign for Usher syndrome type 1G. Last evaluated: 2018-01-13. Review status: criteria provided, single submitter. Criteria: ICSL Variant Classification Criteria 13 December 2019. Collection method: clinical testing. Allele origin: germline.
Comment: This variant was observed in the ICSL laboratory as part of a predisposition screen in an ostensibly healthy population. It had not been previously curated by ICSL or reported in the Human Gene Mutation Database (HGMD: prior to June 1st, 2018), and was therefore a candidate for classification through an automated scoring system. Utilizing variant allele frequency, disease prevalence and penetrance estimates, and inheritance mode, an automated score was calculated to assess if this variant is too frequent to cause the disease. Based on the score and internal cut-off values, a variant classified as likely benign is not then subjected to further curation. The score for this variant resulted in a classification of likely benign for this disease.

NM_173477.5(USH1G):c.*1098T>A

Gene: USH1G (USH1 protein network component sans; minus strand). Cytogenetic location: 17q25.1.
Variant type: single nucleotide variant.
Coding change: c.*1098T>A on transcript NM_173477.5 (MANE Select); 1098 bases downstream of the stop codon, T replaced by A.
Molecular consequence: 3 prime UTR variant.
Genome position (GRCh38, 1-based): chr17:74,916,975, A>T on the plus strand (T>A on the coding strand, the complement: USH1G is on the minus strand). VCF-style: chr17-74916975-A-T. GRCh37 (hg19) VCF-style: chr17-72913067-A-T.
Other names: c.*1098T>A (NM_001282489.3).
Identifiers: ClinVar variation 890035 (VCV000890035.4), dbSNP rs116670727, ClinGen allele CA293981613.